The following is an entry in ClinVar:

NM_001267550.2(TTN):c.39099T>C (p.Pro13033=)

Gene: TTN (titin; minus strand). Cytogenetic location: 2q31.2.
Variant type: single nucleotide variant.
Coding change: c.39099T>C on transcript NM_001267550.2 (MANE Select); coding-DNA position 39099, T replaced by C.
Protein change: p.Pro13033=; no amino-acid change (proline 13033 retained).
Molecular consequence: synonymous variant. On other transcripts: intron variant (3).
Genome position (GRCh38, 1-based): chr2:178,652,486, A>G on the plus strand (T>C on the coding strand, the complement: TTN is on the minus strand). VCF-style: chr2-178652486-A-G. GRCh37 (hg19) VCF-style: chr2-179517213-A-G.
Other names: c.34578T>C, p.Pro11526= (NM_001256850.1); c.31797T>C, p.Pro10599= (NM_133378.4); c.13283-10169T>C (NM_003319.4); c.13859-10169T>C (NM_133437.4); c.13658-10169T>C (NM_133432.3).
Identifiers: ClinVar variation 467106 (VCV000467106.50), dbSNP rs755793186, ClinGen allele CA1996865.

ClinVar aggregate classification (germline): Conflicting classifications of pathogenicity. Review status: criteria provided, conflicting classifications (1 of 4 stars). 5 submissions from 5 submitters: Uncertain significance (1); Likely benign (4). Last evaluated 2026-04-01.

Conditions:
Dilated cardiomyopathy 1G (CMD1G). Identifiers: Orphanet 154, MedGen C1858763, MONDO:0011400, OMIM 604145.
Autosomal recessive limb-girdle muscular dystrophy type 2J (LGMDR10). Also called: Limb-girdle muscular dystrophy, type 2J; MUSCULAR DYSTROPHY, LIMB-GIRDLE, AUTOSOMAL RECESSIVE 10. Identifiers: Orphanet 140922, MedGen C1837342, MONDO:0012127, OMIM 608807.

Allele frequency attached by ClinVar (database versions not stated): gnomAD 0.00002 and 0.00006; TOPMed 0.00005; gnomAD exomes 0.00006 and 0.00013; ExAC 0.00013.
gnomAD v4.1: 112 of 1,613,498 alleles (0.0069%); highest among the groups gnomAD compares: Middle Eastern, 0.13%; 1 homozygote.

Submissions (5):

CeGaT Center for Human Genetics Tuebingen
Classification: Likely benign. Last evaluated: 2026-04-01. Review status: criteria provided, single submitter. Criteria: CeGaT Center For Human Genetics Tuebingen Variant Classification Criteria Version 2. Collection method: clinical testing. Allele origin: germline. Affected: yes. Observed: 4 variant alleles.
Comment: TTN: BP4, BP7

Labcorp Genetics (formerly Invitae), Labcorp
Classification: Likely benign for Dilated cardiomyopathy 1G; Autosomal recessive limb-girdle muscular dystrophy type 2J. Last evaluated: 2026-01-05. Review status: criteria provided, single submitter. Criteria: Invitae Variant Classification Sherloc (09022015). Collection method: clinical testing. Allele origin: germline.

Blueprint Genetics
Classification: Likely benign. Last evaluated: 2024-09-19. Review status: criteria provided, single submitter. Criteria: ACMG Guidelines, 2015. Collection method: clinical testing. Allele origin: germline.

GeneDx
Classification: Likely benign. Last evaluated: 2020-12-03. Review status: criteria provided, single submitter. Criteria: GeneDx Variant Classification Process June 2021. Collection method: clinical testing. Allele origin: germline. Affected: yes.

Eurofins Ntd Llc (ga)
Classification: Uncertain significance. Last evaluated: 2017-02-24. Review status: criteria provided, single submitter. Criteria: EGL Classification Definitions 2015. Collection method: clinical testing. Allele origin: germline. Observed: 1 variant allele, 1 heterozygote.